The following is an entry in ClinVar:

ClinVar aggregate classification (germline): Uncertain significance. Review status: criteria provided, multiple submitters, no conflicts (2 of 4 stars). 7 submissions from 7 submitters: Uncertain significance (7). Last evaluated 2026-05-04.

Conditions:
Hereditary cancer-predisposing syndrome. Also called: Tumor predisposition; Hereditary neoplastic syndrome; Neoplastic Syndromes, Hereditary; Hereditary Cancer Syndrome. Identifiers: Orphanet 140162, MedGen C0027672, MeSH D009386, MONDO:0015356.
Hereditary cancer. Identifiers: MedGen C1333600.
POT1-related disorder. Also called: POT1-related condition.
Tumor predisposition syndrome 3 (TPDS3). Also called: Melanoma, cutaneous malignant, susceptibility to, 10; Glioma susceptibility 9; LONG TELOMERE SYNDROME, POT1-RELATED; POT1 Tumor Predisposition. Identifiers: Orphanet 618, MedGen C4014476, MONDO:0014368, OMIM 615848.

Allele frequency attached by ClinVar (database versions not stated): ExAC 0.00001; gnomAD exomes 0.00001; TOPMed 0.00001.
gnomAD v4.1: 3 of 1,520,776 alleles (0.0002%); highest among the groups gnomAD compares: Admixed American, 0.0025%; no homozygotes.

Submissions (7):

PreventionGenetics, part of Exact Sciences
Classification: Uncertain significance for POT1-related condition. Last evaluated: 2026-05-04. Review status: criteria provided, single submitter. Criteria: ACMG Guidelines, 2015. Collection method: clinical testing. Allele origin: germline.
Comment: The POT1 c.44A>G variant is predicted to result in the amino acid substitution p.Asn15Ser. To our knowledge, this variant has not been reported in the literature. This variant is reported in 0.0062% of alleles in individuals of Latino descent in gnomAD and is classified as a variant of uncertain significance in the ClinVar database (Variation ID: 1013648). At this time, the clinical significance of this variant is uncertain due to the absence of conclusive functional and genetic evidence.

Labcorp Genetics (formerly Invitae), Labcorp
Classification: Uncertain significance for Tumor predisposition syndrome 3. Last evaluated: 2025-12-22. Review status: criteria provided, single submitter. Criteria: Invitae Variant Classification Sherloc (09022015). Collection method: clinical testing. Allele origin: germline.
Comment: This sequence change replaces asparagine, which is neutral and polar, with serine, which is neutral and polar, at codon 15 of the POT1 protein (p.Asn15Ser). The frequency data for this variant in the population databases is considered unreliable, as metrics indicate poor data quality at this position in the gnomAD database. This variant has not been reported in the literature in individuals affected with POT1-related conditions. ClinVar contains an entry for this variant (Variation ID: 1013648). Invitae Evidence Modeling of protein sequence and biophysical properties (such as structural, functional, and spatial information, amino acid conservation, physicochemical variation, residue mobility, and thermodynamic stability) indicates that this missense variant is not expected to disrupt POT1 protein function with a negative predictive value of 80%. In summary, the available evidence is currently insufficient to determine the role of this variant in disease. Therefore, it has been classified as a Variant of Uncertain Significance.

Dasa
Classification: Uncertain significance. Last evaluated: 2025-05-05. Review status: criteria provided, single submitter. Criteria: DASA Assertion Criteria. Collection method: clinical testing. Allele origin: germline.
Comment: NM_015450.3(POT1):c.44A>G (p.Asn15Ser) is a missense variant that results in the substitution of asparagine with serine. This variant is rare in population databases. Computational prediction algorithms are consistent with a benign effect. The currently available literature and clinical evidence are not sufficient to establish a definitive association between this variant and the reported condition. Therefore, this variant is classified as a variant of uncertain significance.

Mendelics
Classification: Uncertain significance for Hereditary cancer. Last evaluated: 2025-02-26. Review status: criteria provided, single submitter. Criteria: ACMG Guidelines, 2015. Collection method: clinical testing. Allele origin: unknown.
Comment: The available evidence is insufficient to conclusively determine the role of this variant. Therefore, it is classified as a Variant of Uncertain Significance.

Quest Diagnostics Nichols Institute San Juan Capistrano
Classification: Uncertain significance. Last evaluated: 2025-01-20. Review status: criteria provided, single submitter. Criteria: Quest Diagnostics criteria. Collection method: clinical testing. Allele origin: unknown.
Comment: The POT1 c.44A>G (p.Asn15Ser) variant has not been reported in individuals with POT1-related conditions in the published literature. The frequency of this variant in the general population (Genome Aggregation Database) is uninformative in the assessment of its pathogenicity. Analysis of this variant using bioinformatics tools for the prediction of the effect of amino acid changes on protein structure and function yielded predictions that this variant is benign. Based on the available information, we are unable to determine the clinical significance of this variant.

Ambry Genetics
Classification: Uncertain significance for Hereditary cancer-predisposing syndrome. Last evaluated: 2023-09-21. Review status: criteria provided, single submitter. Criteria: Ambry Variant Classification Scheme 2023. Collection method: clinical testing. Allele origin: germline.
Comment: The p.N15S variant (also known as c.44A>G), located in coding exon 2 of the POT1 gene, results from an A to G substitution at nucleotide position 44. The asparagine at codon 15 is replaced by serine, an amino acid with highly similar properties. This amino acid position is well conserved in available vertebrate species. In addition, this alteration is predicted to be tolerated by in silico analysis. Since supporting evidence is limited at this time, the clinical significance of this alteration remains unclear.

GeneDx
Classification: Uncertain significance. Last evaluated: 2023-05-09. Review status: criteria provided, single submitter. Criteria: GeneDx Variant Classification Process June 2021. Collection method: clinical testing. Allele origin: germline. Affected: yes.
Comment: Not observed at significant frequency in large population cohorts (gnomAD); In silico analysis supports that this missense variant has a deleterious effect on protein structure/function; Has not been previously published as pathogenic or benign to our knowledge; This variant is associated with the following publications: (PMID: 28393830)

Literature cited by the submitters: PubMed 30556179 (cited by Quest Diagnostics Nichols Institute San Juan Capistrano).

NM_015450.3(POT1):c.44A>G (p.Asn15Ser)

Gene: POT1 (protection of telomeres 1; minus strand). Cytogenetic location: 7q31.33.
Variant type: single nucleotide variant.
Coding change: c.44A>G on transcript NM_015450.3 (MANE Select); coding-DNA position 44, A replaced by G.
Protein change: p.Asn15Ser; replaces asparagine 15 with serine.
Molecular consequence: missense variant. On other transcripts: 5 prime UTR variant (1), non-coding transcript variant (3).
Genome position (GRCh38, 1-based): chr7:124,892,346, T>C on the plus strand (A>G on the coding strand, the complement: POT1 is on the minus strand). VCF-style: chr7-124892346-T-C. GRCh37 (hg19) VCF-style: chr7-124532400-T-C.
Other names: c.-219A>G (NM_001042594.2); short protein forms N15S.
Identifiers: ClinVar variation 1013648 (VCV001013648.16), dbSNP rs764821384, ClinGen allele CA4465515.